The following is an entry in ClinVar:

NM_004924.6(ACTN4):c.1753G>A (p.Glu585Lys)

Gene: ACTN4 (actinin alpha 4; plus strand). Cytogenetic location: 19q13.2.
Variant type: single nucleotide variant.
Coding change: c.1753G>A on transcript NM_004924.6 (MANE Select); coding-DNA position 1753, G replaced by A.
Protein change: p.Glu585Lys; replaces glutamic acid 585 with lysine.
Molecular consequence: missense variant.
Genome position (GRCh38, 1-based): chr19:38,724,217, G>A. VCF-style: chr19-38724217-G-A. GRCh37 (hg19) VCF-style: chr19-39214857-G-A.
Other names: c.1753G>A, p.Glu585Lys (NM_001322033.2, NM_001411143.1, NM_001440296.1 and 2 more transcripts); c.1501G>A, p.Glu501Lys (NM_001440299.1); short protein forms E501K, E585K.
Identifiers: ClinVar variation 4750745 (VCV004750745.1).

ClinVar aggregate classification (germline): Uncertain significance (1 of 4 stars; one submission).

gnomAD v4.1: 32 of 1,613,748 alleles (0.002%); highest among the groups gnomAD compares: Non-Finnish European, 0.0024%; no homozygotes.

Submission:

Labcorp Genetics (formerly Invitae), Labcorp
Classification: Uncertain significance. Last evaluated: 2025-03-06. Review status: criteria provided, single submitter. Criteria: Invitae Variant Classification Sherloc (09022015). Collection method: clinical testing. Allele origin: germline.
Comment: This sequence change replaces glutamic acid, which is acidic and polar, with lysine, which is basic and polar, at codon 585 of the ACTN4 protein (p.Glu585Lys). This variant is present in population databases (rs759789993, gnomAD 0.007%). This variant has not been reported in the literature in individuals affected with ACTN4-related conditions. Invitae Evidence Modeling of protein sequence and biophysical properties (such as structural, functional, and spatial information, amino acid conservation, physicochemical variation, residue mobility, and thermodynamic stability) indicates that this missense variant is not expected to disrupt ACTN4 protein function with a negative predictive value of 80%. In summary, the available evidence is currently insufficient to determine the role of this variant in disease. Therefore, it has been classified as a Variant of Uncertain Significance.